The following is an entry in ClinVar:

ClinVar aggregate classification (germline): Uncertain significance (1 of 4 stars; one submission).

Conditions:
Left-right axis malformations. Identifiers: MedGen C1866091.

Allele frequency attached by ClinVar (database versions not stated): gnomAD 0.00001; gnomAD exomes 0.00002 and 0.00005; TOPMed 0.00002; ExAC 0.00003.

Submission:

Labcorp Genetics (formerly Invitae), Labcorp
Classification: Uncertain significance for Left-right axis malformations. Last evaluated: 2020-06-06. Review status: criteria provided, single submitter. Criteria: Invitae Variant Classification Sherloc (09022015). Collection method: clinical testing. Allele origin: germline.
Comment: In summary, the available evidence is currently insufficient to determine the role of this variant in disease. Therefore, it has been classified as a Variant of Uncertain Significance. Algorithms developed to predict the effect of missense changes on protein structure and function (SIFT, PolyPhen-2, Align-GVGD) all suggest that this variant is likely to be disruptive, but these predictions have not been confirmed by published functional studies and their clinical significance is uncertain. This sequence change replaces cysteine with arginine at codon 264 of the LEFTY2 protein (p.Cys264Arg). The cysteine residue is highly conserved and there is a large physicochemical difference between cysteine and arginine. The frequency data for this variant in the population databases is considered unreliable, as metrics indicate poor data quality at this position in the ExAC database. This variant has not been reported in the literature in individuals with LEFTY2-related conditions.

NM_003240.5(LEFTY2):c.790T>C (p.Cys264Arg)

Gene: LEFTY2 (left-right determination factor 2; minus strand). Cytogenetic location: 1q42.12.
Variant type: single nucleotide variant.
Coding change: c.790T>C on transcript NM_003240.5 (MANE Select); coding-DNA position 790, T replaced by C.
Protein change: p.Cys264Arg; replaces cysteine 264 with arginine.
Molecular consequence: missense variant.
Genome position (GRCh38, 1-based): chr1:225,937,752, A>G on the plus strand (T>C on the coding strand, the complement: LEFTY2 is on the minus strand). VCF-style: chr1-225937752-A-G. GRCh37 (hg19) VCF-style: chr1-226125452-A-G.
Other names: c.688T>C, p.Cys230Arg (NM_001172425.3); short protein forms C230R, C264R.
Identifiers: ClinVar variation 1017089 (VCV001017089.8), dbSNP rs545519108, ClinGen allele CA1420476.